The following is an entry in ClinVar:

NM_005751.5(AKAP9):c.9377T>C (p.Ile3126Thr)

Gene: AKAP9 (A-kinase anchoring protein 9; plus strand). Cytogenetic location: 7q21.2.
Variant type: single nucleotide variant.
Coding change: c.9377T>C on transcript NM_005751.5 (MANE Select); coding-DNA position 9377, T replaced by C.
Protein change: p.Ile3126Thr; replaces isoleucine 3126 with threonine.
Molecular consequence: missense variant.
Genome position (GRCh38, 1-based): chr7:92,093,115, T>C. VCF-style: chr7-92093115-T-C. GRCh37 (hg19) VCF-style: chr7-91722429-T-C.
Other names: c.4022T>C, p.Ile1341Thr (NM_001379277.1); c.9353T>C, p.Ile3118Thr (NM_147185.3); short protein forms I3126T, I1341T, I3118T.
Identifiers: ClinVar variation 1766727 (VCV001766727.9), dbSNP rs749833223, ClinGen allele CA4337757.

ClinVar aggregate classification (germline): Conflicting classifications of pathogenicity. Review status: criteria provided, conflicting classifications (1 of 4 stars). 2 submissions from 2 submitters: Uncertain significance (1); Likely benign (1). Last evaluated 2026-02-23.

Conditions:
Cardiovascular phenotype. Identifiers: MedGen CN230736.
Long QT syndrome (LQTS). Identifiers: MedGen C0023976, MeSH D008133, MONDO:0002442. Disease mechanism: loss of function. Inheritance: Various modes of inheritance.

Allele frequency attached by ClinVar (database versions not stated): gnomAD 0.00002; TOPMed 0.00002; ExAC 0.00003.
gnomAD v4.1: 71 of 1,613,716 alleles (0.0044%); highest among the groups gnomAD compares: Non-Finnish European, 0.0058%; no homozygotes.

Submissions (2):

Ambry Genetics
Classification: Likely benign for Cardiovascular phenotype. Last evaluated: 2026-02-23. Review status: criteria provided, single submitter. Criteria: Ambry Variant Classification Scheme 2023. Collection method: clinical testing. Allele origin: germline.

Labcorp Genetics (formerly Invitae), Labcorp
Classification: Uncertain significance for Long QT syndrome. Last evaluated: 2025-01-28. Review status: criteria provided, single submitter. Criteria: Invitae Variant Classification Sherloc (09022015). Collection method: clinical testing. Allele origin: germline.
Comment: This sequence change replaces isoleucine, which is neutral and non-polar, with threonine, which is neutral and polar, at codon 3126 of the AKAP9 protein (p.Ile3126Thr). This variant is present in population databases (rs749833223, gnomAD 0.005%). This variant has not been reported in the literature in individuals affected with AKAP9-related conditions. ClinVar contains an entry for this variant (Variation ID: 1766727). An algorithm developed to predict the effect of missense changes on protein structure and function (PolyPhen-2) suggests that this variant is likely to be tolerated. In summary, the available evidence is currently insufficient to determine the role of this variant in disease. Therefore, it has been classified as a Variant of Uncertain Significance.